The following is an entry in ClinVar:

NM_182961.4(SYNE1):c.22874T>G (p.Val7625Gly)

Gene: SYNE1 (spectrin repeat containing nuclear envelope protein 1; minus strand). Cytogenetic location: 6q25.2.
Variant type: single nucleotide variant.
Coding change: c.22874T>G on transcript NM_182961.4 (MANE Select); coding-DNA position 22874, T replaced by G.
Protein change: p.Val7625Gly; replaces valine 7625 with glycine.
Molecular consequence: missense variant.
Genome position (GRCh38, 1-based): chr6:152,206,313, A>C on the plus strand (T>G on the coding strand, the complement: SYNE1 is on the minus strand). VCF-style: chr6-152206313-A-C. GRCh37 (hg19) VCF-style: chr6-152527448-A-C.
Other names: c.22661T>G, p.Val7554Gly (NM_033071.5); short protein forms V7554G, V7625G.
Identifiers: ClinVar variation 1998527 (VCV001998527.4), dbSNP rs2551302797, ClinGen allele CA366095153.

ClinVar aggregate classification (germline): Uncertain significance (1 of 4 stars; one submission).

Conditions:
Autosomal recessive ataxia, Beauce type. Also called: SYNE1 Deficiency; Spinocerebellar ataxia, autosomal recessive 8; ATAXIA, RECESSIVE, OF BEAUCE; SYNE1-Related Autosomal Recessive Cerebellar Ataxia. Identifiers: Orphanet 88644, MedGen C1853116, MONDO:0012549, OMIM 610743.
Emery-Dreifuss muscular dystrophy 4, autosomal dominant (EDMD4). Also called: EMERY-DREIFUSS MUSCULAR DYSTROPHY 4 WITH VARIABLE FEATURES. Identifiers: Orphanet 261, MedGen C2751807, MONDO:0013071, OMIM 612998.

Submission:

Labcorp Genetics (formerly Invitae), Labcorp
Classification: Uncertain significance for Emery-Dreifuss muscular dystrophy 4, autosomal dominant; Autosomal recessive ataxia, Beauce type. Last evaluated: 2022-07-30. Review status: criteria provided, single submitter. Criteria: Invitae Variant Classification Sherloc (09022015). Collection method: clinical testing. Allele origin: germline.
Comment: This sequence change replaces valine, which is neutral and non-polar, with glycine, which is neutral and non-polar, at codon 7554 of the SYNE1 protein (p.Val7554Gly). In summary, the available evidence is currently insufficient to determine the role of this variant in disease. Therefore, it has been classified as a Variant of Uncertain Significance. Algorithms developed to predict the effect of missense changes on protein structure and function (SIFT, PolyPhen-2, Align-GVGD) all suggest that this variant is likely to be disruptive. This variant has not been reported in the literature in individuals affected with SYNE1-related conditions. This variant is not present in population databases (gnomAD no frequency).